The following is an entry in ClinVar:

NM_006662.3(SRCAP):c.7592C>T (p.Pro2531Leu)

Gene: SRCAP (Snf2 related CREBBP activator protein; plus strand). Cytogenetic location: 16p11.2.
Variant type: single nucleotide variant.
Coding change: c.7592C>T on transcript NM_006662.3 (MANE Select); coding-DNA position 7592, C replaced by T.
Protein change: p.Pro2531Leu; replaces proline 2531 with leucine.
Molecular consequence: missense variant.
Genome position (GRCh38, 1-based): chr16:30,737,632, C>T. VCF-style: chr16-30737632-C-T. GRCh37 (hg19) VCF-style: chr16-30748953-C-T.
Other names: short protein forms P2531L.
Identifiers: ClinVar variation 1489479 (VCV001489479.11), dbSNP rs201373670, ClinGen allele CA8012519.

ClinVar aggregate classification (germline): Uncertain significance. Review status: criteria provided, multiple submitters, no conflicts (2 of 4 stars). 3 submissions from 3 submitters: Uncertain significance (3). Last evaluated 2025-12-01.

Conditions:
Developmental delay, hypotonia, musculoskeletal defects, and behavioral abnormalities. Identifiers: MedGen C5562012, MONDO:0859202, OMIM 619595.
Floating-Harbor syndrome (FLHS). Also called: Short stature with delayed bone age, expressive language delay, a triangular face with a prominent nose and deep-set eyes; Pelletier-Leisti syndrome; SRCAP-Related Floating-Harbor Syndrome. Identifiers: Orphanet 2044, MedGen C0729582, MONDO:0007621, OMIM 136140.

Allele frequency attached by ClinVar (database versions not stated): gnomAD exomes below 0.00001; ExAC 0.00001; gnomAD 0.00001; 1000 Genomes Project 30x 0.00016; 1000 Genomes Project 0.00020.
gnomAD v4.1: 2 of 1,614,046 alleles (0.00012%); highest among the groups gnomAD compares: Admixed American, 0.0017%; no homozygotes.

Submissions (3):

CeGaT Center for Human Genetics Tuebingen
Classification: Uncertain significance. Last evaluated: 2025-12-01. Review status: criteria provided, single submitter. Criteria: CeGaT Center For Human Genetics Tuebingen Variant Classification Criteria Version 2. Collection method: clinical testing. Allele origin: germline. Affected: yes. Observed: 1 variant allele.
Comment: SRCAP: PM2:Supporting, BP4

Fulgent Genetics
Classification: Uncertain significance for Floating-Harbor syndrome; Developmental delay, hypotonia, musculoskeletal defects, and behavioral abnormalities. Last evaluated: 2024-02-14. Review status: criteria provided, single submitter. Criteria: ACMG Guidelines, 2015. Collection method: clinical testing. Allele origin: germline.

Labcorp Genetics (formerly Invitae), Labcorp
Classification: Uncertain significance. Last evaluated: 2022-03-02. Review status: criteria provided, single submitter. Criteria: Invitae Variant Classification Sherloc (09022015). Collection method: clinical testing. Allele origin: germline.
Comment: In summary, the available evidence is currently insufficient to determine the role of this variant in disease. Therefore, it has been classified as a Variant of Uncertain Significance. Algorithms developed to predict the effect of missense changes on protein structure and function output the following: SIFT: "Tolerated"; PolyPhen-2: "Not Available"; Align-GVGD: "Class C0". The leucine amino acid residue is found in multiple mammalian species, which suggests that this missense change does not adversely affect protein function. This sequence change replaces proline, which is neutral and non-polar, with leucine, which is neutral and non-polar, at codon 2531 of the SRCAP protein (p.Pro2531Leu). This variant is present in population databases (rs201373670, gnomAD 0.007%). This variant has not been reported in the literature in individuals affected with SRCAP-related conditions.